The following is an entry in ClinVar:

ClinVar aggregate classification (germline): Uncertain significance (1 of 4 stars; one submission).

Conditions:
Nemaline myopathy 2 (NEM2). Also called: Nemaline myopathy 2, autosomal recessive. Identifiers: MedGen C1850569, MONDO:0009725, OMIM 256030.

Allele frequency attached by ClinVar (database versions not stated): gnomAD exomes 0.00001; ExAC 0.00002.
gnomAD v4.1: 2 of 1,612,982 alleles (0.00012%); highest among the groups gnomAD compares: Non-Finnish European, 0.00017%; no homozygotes.

Submission:

Labcorp Genetics (formerly Invitae), Labcorp
Classification: Uncertain significance for Nemaline myopathy 2. Last evaluated: 2021-02-03. Review status: criteria provided, single submitter. Criteria: Invitae Variant Classification Sherloc (09022015). Collection method: clinical testing. Allele origin: germline.
Comment: This sequence change falls in intron 21 of the NEB gene. It does not directly change the encoded amino acid sequence of the NEB protein. It affects a nucleotide within the consensus splice site of the intron. This variant is present in population databases (rs763334937, ExAC 0.003%). This variant has not been reported in the literature in individuals with NEB-related conditions. Nucleotide substitutions within the consensus splice site are a relatively common cause of aberrant splicing (PMID: 17576681, 9536098). Algorithms developed to predict the effect of sequence changes on RNA splicing suggest that this variant may create or strengthen a splice site, but this prediction has not been confirmed by published transcriptional studies. In summary, the available evidence is currently insufficient to determine the role of this variant in disease. Therefore, it has been classified as a Variant of Uncertain Significance.

Literature cited by the submitters: PubMed 17576681; PubMed 9536098.

NM_001164508.2(NEB):c.1998+4C>A

Gene: NEB (nebulin; minus strand). Cytogenetic location: 2q23.3.
Variant type: single nucleotide variant.
Coding change: c.1998+4C>A on transcript NM_001164508.2 (MANE Select); 4 bases into the intron after coding-DNA position 1998, C replaced by A.
Molecular consequence: intron variant.
Genome position (GRCh38, 1-based): chr2:151,692,257, G>T on the plus strand (C>A on the coding strand, the complement: NEB is on the minus strand). VCF-style: chr2-151692257-G-T. GRCh37 (hg19) VCF-style: chr2-152548771-G-T.
Other names: c.1998+4C>A (NM_004543.5, NM_001164507.2, NM_001271208.2).
Identifiers: ClinVar variation 1427513 (VCV001427513.3), dbSNP rs763334937, ClinGen allele CA1911376.